The following is an entry in ClinVar:

ClinVar aggregate classification (germline): Benign/Likely benign. Review status: criteria provided, multiple submitters, no conflicts (2 of 4 stars). 5 submissions from 5 submitters: Benign (1); Likely benign (3). 1 of the submissions does not count toward it. Last evaluated 2025-10-29.

Conditions:
ODAD2-related disorder. Also called: ODAD2-related condition.
Primary ciliary dyskinesia 23 (CILD23). Also called: CILIARY DYSKINESIA, PRIMARY, 23, WITH OR WITHOUT SITUS INVERSUS. Identifiers: Orphanet 244, MedGen C3809548, MONDO:0014193, OMIM 615451.
Primary ciliary dyskinesia. Also called: Ciliary dyskinesia. Identifiers: Orphanet 244, MedGen C0008780, MONDO:0016575, HP:0012265.

Allele frequency attached by ClinVar (database versions not stated): gnomAD exomes 0.00012 and 0.00033; ExAC 0.00033; gnomAD 0.00103 and 0.00108; TOPMed 0.00140; ESP Exome Variant Server 0.00146; 1000 Genomes Project 30x 0.00156; 1000 Genomes Project 0.00160.
gnomAD v4.1: 348 of 1,614,074 alleles (0.022%); highest among the groups gnomAD compares: African/African-American, 0.27%; no homozygotes.

Submissions (5):

Labcorp Genetics (formerly Invitae), Labcorp
Classification: Likely benign for Primary ciliary dyskinesia 23. Last evaluated: 2025-10-29. Review status: criteria provided, single submitter. Criteria: Invitae Variant Classification Sherloc (09022015). Collection method: clinical testing. Allele origin: germline.

Blueprint Genetics
Classification: Likely benign. Last evaluated: 2024-08-28. Review status: criteria provided, single submitter. Criteria: ACMG Guidelines, 2015. Collection method: clinical testing. Allele origin: germline.

CeGaT Center for Human Genetics Tuebingen
Classification: Likely benign. Last evaluated: 2023-03-01. Review status: criteria provided, single submitter. Criteria: CeGaT Center For Human Genetics Tuebingen Variant Classification Criteria Version 2. Collection method: clinical testing. Allele origin: germline. Affected: yes. Observed: 1 variant allele.
Comment: ODAD2: BP4

Ambry Genetics
Classification: Benign for Primary ciliary dyskinesia. Last evaluated: 2018-01-16. Review status: criteria provided, single submitter. Criteria: Ambry Variant Classification Scheme 2023. Collection method: clinical testing. Allele origin: germline.

PreventionGenetics, part of Exact Sciences
Classification: Likely benign for ODAD2-related condition. Last evaluated: 2023-11-03. Review status: no assertion criteria provided. Collection method: clinical testing. Allele origin: germline. Not counted in ClinVar's aggregate classification.
Comment: This variant is classified as likely benign based on ACMG/AMP sequence variant interpretation guidelines (Richards et al. 2015 PMID: 25741868, with internal and published modifications).

NM_018076.5(ODAD2):c.2983G>A (p.Asp995Asn)

Gene: ODAD2 (outer dynein arm docking complex subunit 2; minus strand). Cytogenetic location: 10p12.1.
Variant type: single nucleotide variant.
Coding change: c.2983G>A on transcript NM_018076.5 (MANE Select); coding-DNA position 2983, G replaced by A.
Protein change: p.Asp995Asn; replaces aspartic acid 995 with asparagine.
Molecular consequence: missense variant.
Genome position (GRCh38, 1-based): chr10:27,860,663, C>T on the plus strand (G>A on the coding strand, the complement: ODAD2 is on the minus strand). VCF-style: chr10-27860663-C-T. GRCh37 (hg19) VCF-style: chr10-28149592-C-T.
Other names: c.2983G>A (NM_018076.4); c.2983G>A, p.Asp995Asn (NM_001290020.2); c.1558G>A, p.Asp520Asn (NM_001290021.2); c.2059G>A, p.Asp687Asn (NM_001312689.2); short protein forms D995N, D520N, D687N.
Identifiers: ClinVar variation 696184 (VCV000696184.39), dbSNP rs149981194, ClinGen allele CA5453049.
Genomic context (GRCh38, chr10:27,860,663, plus strand): 5'-CCACAAAGTCATTCAACTGTACCTTTACTGCACCATTCTCATGCATGGTGATGCAGTTAT[C>T]GGCGTCTTCTGAGAGTTGGTACAAGGCCTGAGCTGTCGCCCGATGCACGTTGGTGTCATT-3'
Protein context (NP_060546.2, residues 985-1005): QALYQLSEDA[Asp995Asn]NCITMHENGA